The following is an entry in ClinVar:

NM_020699.4(GATAD2B):c.453dup (p.Glu152fs)

Gene: GATAD2B (GATA zinc finger domain containing 2B; minus strand). Cytogenetic location: 1q21.3.
Variant type: Duplication.
Coding change: c.453dup on transcript NM_020699.4 (MANE Select); coding-DNA position 453, one base duplicated (A; older notation c.453dupA).
Protein change: p.Glu152fs; shifts the reading frame from glutamic acid 152.
Molecular consequence: frameshift variant.
Genome position (GRCh38, 1-based): chr1:153,819,618, T duplicated on the plus strand (A on the coding strand, the reverse complement: GATAD2B is on the minus strand). VCF-style (leftmost placement, unchanged base first): chr1-153819617-C-CT. GRCh37 (hg19) VCF-style: chr1-153792093-C-CT.
Other names: short protein forms E152fs.
Identifiers: ClinVar variation 2300447 (VCV002300447.2), dbSNP rs2525261271, ClinGen allele CA2580061081.
Genomic context (GRCh38, chr1:153,819,617, plus strand): 5'-AAAATAGAAGGAGCATAACAAGAAGAAAGAAATTTTTCTTTCTTTTTACCTTAAACATCT[C>CT]TAAGTTGGCTGCTTTGAGTCTTTCTTCCATTCTGGAACTGGAACGGGGACTGGAAGCCTC-3'

ClinVar aggregate classification (germline): Pathogenic (1 of 4 stars; one submission).

Conditions:
Inborn genetic diseases. Identifiers: MedGen C0950123, MeSH D030342.

Submission:

Ambry Genetics
Classification: Pathogenic for Inborn genetic diseases. Last evaluated: 2022-07-28. Review status: criteria provided, single submitter. Criteria: Ambry Variant Classification Scheme 2023. Collection method: clinical testing. Allele origin: germline.
Comment: The c.453dupA (p.E152Rfs*4) alteration, located in exon 3 (coding exon 2) of the GATAD2B gene, consists of a duplication of A at position 453, causing a translational frameshift with a predicted alternate stop codon after 4 amino acids. This alteration is expected to result in loss of function by premature protein truncation or nonsense-mediated mRNA decay. This variant was not reported in population-based cohorts in the Genome Aggregation Database (gnomAD). Based on the available evidence, this alteration is classified as pathogenic.